The following is an entry in ClinVar:

NM_007294.4(BRCA1):c.1234G>C (p.Val412Leu)

Gene: BRCA1 (BRCA1 DNA repair associated; minus strand). Cytogenetic location: 17q21.31.
Variant type: single nucleotide variant.
Coding change: c.1234G>C on transcript NM_007294.4 (MANE Select); coding-DNA position 1234, G replaced by C.
Protein change: p.Val412Leu; replaces valine 412 with leucine.
Molecular consequence: missense variant. On other transcripts: intron variant (137).
Genome position (GRCh38, 1-based): chr17:43,094,297, C>G on the plus strand (G>C on the coding strand, the complement: BRCA1 is on the minus strand). VCF-style: chr17-43094297-C-G. GRCh37 (hg19) VCF-style: chr17-41246314-C-G.
Other names: c.1093G>C, p.Val365Leu (NM_001407697.1, NM_001407698.1, NM_001407724.1 and 29 more transcripts); c.1021G>C, p.Val341Leu (NM_001407571.1, NM_001407853.1, NM_001407894.1 and 9 more transcripts); c.1234G>C, p.Val412Leu (NM_001407581.1, NM_001407582.1, NM_001407583.1 and 30 more transcripts); c.1231G>C, p.Val411Leu (NM_001407587.1, NM_001407590.1, NM_001407591.1 and 22 more transcripts); c.1225G>C, p.Val409Leu (NM_001407646.1, NM_001407647.1); c.1111G>C, p.Val371Leu (NM_001407648.1, NM_001407664.1, NM_001407665.1 and 19 more transcripts); c.1108G>C, p.Val370Leu (NM_001407649.1, NM_001407670.1, NM_001407671.1 and 11 more transcripts); c.1156G>C, p.Val386Leu (NM_001407653.1, NM_001407654.1, NM_001407655.1 and 4 more transcripts); and 40 more; short protein forms V370L, V385L, V409L, V284L, V342L, V386L, V116L, V285L.
Identifiers: ClinVar variation 2774861 (VCV002774861.2), dbSNP rs587776478, ClinGen allele CA10599586.
Genomic context (GRCh38, chr17:43,094,297, plus strand): 5'-GTAAGTCTATTTTCTCTGAAGAACCAGAATATTCATCTACCTCATTTAGAACGTCCAATA[C>G]ATCAGCTACTTTGGCATTTGATTCAGACTCCCCATCATGTGAGTCATCAGAACCTAACAG-3'
Protein context (NP_009225.1, residues 402-422): ESESNAKVAD[Val412Leu]LDVLNEVDEY

ClinVar aggregate classification (germline): Uncertain significance (1 of 4 stars; one submission).

Conditions:
Hereditary cancer-predisposing syndrome. Also called: Neoplastic Syndromes, Hereditary; Tumor predisposition; Hereditary Cancer Syndrome; Hereditary neoplastic syndrome. Identifiers: Orphanet 140162, MedGen C0027672, MeSH D009386, MONDO:0015356.

gnomAD v4.1: 1 of 1,614,180 alleles (0.000062%); highest among the groups gnomAD compares: Non-Finnish European, 0.000085%; no homozygotes.

Submission:

Color Diagnostics, LLC DBA Color Health
Classification: Uncertain significance for Hereditary cancer-predisposing syndrome. Last evaluated: 2021-10-11. Review status: criteria provided, single submitter. Criteria: ACMG Guidelines, 2015. Collection method: clinical testing. Allele origin: germline.
Comment: This missense variant replaces valine with leucine at codon 412 of the BRCA1 protein. Computational prediction is inconclusive regarding the impact of this variant on protein structure and function (internally defined REVEL score threshold 0.5 < inconclusive < 0.7, PMID: 27666373). To our knowledge, functional studies have not been reported for this variant. This variant has not been reported in individuals affected with hereditary cancer in the literature. This variant has not been identified in the general population by the Genome Aggregation Database (gnomAD). The available evidence is insufficient to determine the role of this variant in disease conclusively. Therefore, this variant is classified as a Variant of Uncertain Significance.